The following is an entry in ClinVar:

ClinVar aggregate classification (germline): Uncertain significance (1 of 4 stars; one submission).

Allele frequency attached by ClinVar (database versions not stated): gnomAD exomes below 0.00001.
gnomAD v4.1: 1 of 1,614,190 alleles (0.000062%); highest among the groups gnomAD compares: Non-Finnish European, 0.000085%; no homozygotes.

Submission:

Labcorp Genetics (formerly Invitae), Labcorp
Classification: Uncertain significance. Last evaluated: 2024-05-06. Review status: criteria provided, single submitter. Criteria: Invitae Variant Classification Sherloc (09022015). Collection method: clinical testing. Allele origin: germline.
Comment: This sequence change replaces glutamine, which is neutral and polar, with proline, which is neutral and non-polar, at codon 722 of the REPS1 protein (p.Gln722Pro). This variant is not present in population databases (gnomAD no frequency). This variant has not been reported in the literature in individuals affected with REPS1-related conditions. Advanced modeling of protein sequence and biophysical properties (such as structural, functional, and spatial information, amino acid conservation, physicochemical variation, residue mobility, and thermodynamic stability) performed at Invitae indicates that this missense variant is not expected to disrupt REPS1 protein function with a negative predictive value of 80%. In summary, the available evidence is currently insufficient to determine the role of this variant in disease. Therefore, it has been classified as a Variant of Uncertain Significance.

NM_001286611.2(REPS1):c.2165A>C (p.Gln722Pro)

Gene: REPS1 (RALBP1 associated Eps domain containing 1; minus strand). Cytogenetic location: 6q24.1.
Variant type: single nucleotide variant.
Coding change: c.2165A>C on transcript NM_001286611.2 (MANE Select); coding-DNA position 2165, A replaced by C.
Protein change: p.Gln722Pro; replaces glutamine 722 with proline.
Molecular consequence: missense variant.
Genome position (GRCh38, 1-based): chr6:138,908,719, T>G on the plus strand (A>C on the coding strand, the complement: REPS1 is on the minus strand). VCF-style: chr6-138908719-T-G. GRCh37 (hg19) VCF-style: chr6-139229856-T-G.
Other names: c.2084A>C, p.Gln695Pro (NM_001128617.3); c.1892A>C, p.Gln631Pro (NM_001286612.2); c.2162A>C, p.Gln721Pro (NM_031922.5); short protein forms Q695P, Q721P, Q722P, Q631P.
Identifiers: ClinVar variation 2764084 (VCV002764084.3), dbSNP rs2482539051, ClinGen allele CA365806045.